The following is an entry in ClinVar:

ClinVar aggregate classification (germline): Pathogenic (1 of 4 stars; one submission).

Submission:

Labcorp Genetics (formerly Invitae), Labcorp
Classification: Pathogenic. Last evaluated: 2023-01-21. Review status: criteria provided, single submitter. Criteria: Invitae Variant Classification Sherloc (09022015). Collection method: clinical testing. Allele origin: germline.
Comment: This variant is not present in population databases (gnomAD no frequency). For these reasons, this variant has been classified as Pathogenic. This variant has not been reported in the literature in individuals affected with KMT2A-related conditions. This sequence change creates a premature translational stop signal (p.Pro2164Argfs*15) in the KMT2A gene. It is expected to result in an absent or disrupted protein product. Loss-of-function variants in KMT2A are known to be pathogenic (PMID: 22795537, 25574841, 25810209, 28120103, 29574747, 31157197, 31337854).

Literature cited by the submitters: PubMed 22795537; PubMed 25574841; PubMed 25810209; PubMed 28120103; PubMed 29574747; PubMed 31157197; PubMed 31337854.

NM_001197104.2(KMT2A):c.6491del (p.Pro2164fs)

Gene: KMT2A (lysine methyltransferase 2A; plus strand). Cytogenetic location: 11q23.3.
Variant type: Deletion.
Coding change: c.6491del on transcript NM_001197104.2 (MANE Select); coding-DNA position 6491, one base deleted (C; older notation c.6491delC).
Protein change: p.Pro2164fs; shifts the reading frame from proline 2164.
Molecular consequence: frameshift variant.
Genome position (GRCh38, 1-based): chr11:118,501,843, C deleted; the last of 2 consecutive C bases (chr11:118,501,842-118,501,843); deleting either gives the same sequence. VCF-style (leftmost placement, unchanged base first): chr11-118501841-AC-A. GRCh37 (hg19) VCF-style: chr11-118372556-AC-A.
Other names: c.6581del, p.Pro2194fs (NM_001412597.1); c.6482del, p.Pro2161fs (NM_005933.4); short protein forms P2164fs, P2161fs, P2194fs.
Identifiers: ClinVar variation 2830826 (VCV002830826.3), dbSNP rs2496984988, ClinGen allele CA2739271704.